The following is an entry in ClinVar:

NM_001393769.1(MED12L):c.2251-23686A>G

Genes: MED12L (mediator complex subunit 12L; plus strand), P2RY13 (purinergic receptor P2Y13; minus strand). Cytogenetic location: 3q25.1.
Variant type: single nucleotide variant.
Coding change: c.2251-23686A>G on transcript NM_001393769.1 (MANE Select); 23686 bases into the intron before coding-DNA position 2251, A replaced by G.
Molecular consequence: intron variant. On other transcripts: 3 prime UTR variant (1).
Genome position (GRCh38, 1-based): chr3:151,326,373, A>G. VCF-style: chr3-151326373-A-G. GRCh37 (hg19) VCF-style: chr3-151044161-A-G.
Other names: c.*1618T>C (NM_176894.3); c.2146-23686A>G (NM_053002.6).
Identifiers: ClinVar variation 4851722 (VCV004851722.1).

ClinVar aggregate classification (germline): Uncertain significance (1 of 4 stars; one submission).

Submission:

Greenwood Genetic Center Diagnostic Laboratories, Greenwood Genetic Center
Classification: Uncertain significance. Last evaluated: 2025-02-27. Review status: criteria provided, single submitter. Criteria: ACMG Guidelines, 2015. Collection method: clinical testing. Allele origin: germline.
Comment: PM2, BP4